The following is an entry in ClinVar:

NM_000135.4(FANCA):c.12G>A (p.Ser4=)

Genes: FANCA (FA complementation group A; minus strand), LOC112486223 (Sharpr-MPRA regulatory region 3988; plus strand). Cytogenetic location: 16q24.3.
Variant type: single nucleotide variant.
Coding change: c.12G>A on transcript NM_000135.4 (MANE Select); coding-DNA position 12, G replaced by A.
Protein change: p.Ser4=; no amino-acid change (serine 4 retained).
Molecular consequence: synonymous variant.
Genome position (GRCh38, 1-based): chr16:89,816,604, C>T on the plus strand (G>A on the coding strand, the complement: FANCA is on the minus strand). VCF-style: chr16-89816604-C-T. GRCh37 (hg19) VCF-style: chr16-89883012-C-T.
Other names: c.12G>A, p.Ser4= (NM_001018112.3, NM_001286167.3, NM_001351830.2); c.12G>A (NM_000135.2, NM_000135.3).
Identifiers: ClinVar variation 1102981 (VCV001102981.12), dbSNP rs1009539881, ClinGen allele CA497196902.

ClinVar aggregate classification (germline): Likely benign. Review status: criteria provided, multiple submitters, no conflicts (2 of 4 stars). 4 submissions from 4 submitters: Likely benign (4). Last evaluated 2026-09-01.

Conditions:
Inborn genetic diseases. Identifiers: MedGen C0950123, MeSH D030342.
Fanconi anemia (FA). Also called: Fanconi's anemia. Identifiers: Orphanet 84, MedGen C0015625, MeSH D005199, MONDO:0019391.

gnomAD v4.1: 3 of 1,526,238 alleles (0.0002%); highest among the groups gnomAD compares: East Asian, 0.0051%; no homozygotes.

Submissions (4):

CeGaT Center for Human Genetics Tuebingen
Classification: Likely benign. Last evaluated: 2026-09-01. Review status: criteria provided, single submitter. Criteria: CeGaT Center For Human Genetics Tuebingen Variant Classification Criteria Version 2. Collection method: clinical testing. Allele origin: germline. Affected: yes. Observed: 1 variant allele.
Comment: FANCA: BP4, BP7

Quest Diagnostics Nichols Institute San Juan Capistrano
Classification: Likely benign. Last evaluated: 2025-08-19. Review status: criteria provided, single submitter. Criteria: Quest Diagnostics criteria. Collection method: clinical testing. Allele origin: unknown.

Ambry Genetics
Classification: Likely benign for Inborn genetic diseases. Last evaluated: 2025-06-21. Review status: criteria provided, single submitter. Criteria: Ambry Variant Classification Scheme 2023. Collection method: clinical testing. Allele origin: germline.

Labcorp Genetics (formerly Invitae), Labcorp
Classification: Likely benign for Fanconi anemia. Last evaluated: 2023-08-10. Review status: criteria provided, single submitter. Criteria: Invitae Variant Classification Sherloc (09022015). Collection method: clinical testing. Allele origin: germline.

Literature cited by the submitters: PubMed 32546565 (cited by Quest Diagnostics Nichols Institute San Juan Capistrano).